The following is an entry in ClinVar:

ClinVar aggregate classification (germline): Likely benign (0 of 4 stars; one submission).

Conditions:
PEX16-related disorder. Also called: PEX16-related condition.

Submission:

PreventionGenetics, part of Exact Sciences
Classification: Likely benign for PEX16-related condition. Last evaluated: 2024-07-07. Review status: no assertion criteria provided. Collection method: clinical testing. Allele origin: germline.
Comment: This variant is classified as likely benign based on ACMG/AMP sequence variant interpretation guidelines (Richards et al. 2015 PMID: 25741868, with internal and published modifications).

NM_004813.4(PEX16):c.*99G>A

Gene: PEX16 (peroxisomal biogenesis factor 16; minus strand). Cytogenetic location: 11p11.2.
Variant type: single nucleotide variant.
Coding change: c.*99G>A on transcript NM_004813.4 (MANE Select); 99 bases downstream of the stop codon, G replaced by A.
Molecular consequence: 3 prime UTR variant. On other transcripts: synonymous variant (1).
Genome position (GRCh38, 1-based): chr11:45,910,155, C>T on the plus strand (G>A on the coding strand, the complement: PEX16 is on the minus strand). VCF-style: chr11-45910155-C-T. GRCh37 (hg19) VCF-style: chr11-45931706-C-T.
Other names: c.975G>A, p.Pro325= (NM_057174.3).
Identifiers: ClinVar variation 3357309 (VCV003357309.1).